The following is an entry in ClinVar:

NM_000046.5(ARSB):c.551T>C (p.Ile184Thr)

Gene: ARSB (arylsulfatase B; minus strand). Cytogenetic location: 5q14.1.
Variant type: single nucleotide variant.
Coding change: c.551T>C on transcript NM_000046.5 (MANE Select); coding-DNA position 551, T replaced by C.
Protein change: p.Ile184Thr; replaces isoleucine 184 with threonine.
Molecular consequence: missense variant.
Genome position (GRCh38, 1-based): chr5:78,964,555, A>G on the plus strand (T>C on the coding strand, the complement: ARSB is on the minus strand). VCF-style: chr5-78964555-A-G. GRCh37 (hg19) VCF-style: chr5-78260378-A-G.
Other names: c.551T>C, p.Ile184Thr (NM_198709.3); short protein forms I184T.
Identifiers: ClinVar variation 2794737 (VCV002794737.3), dbSNP rs1395754016, ClinGen allele CA360193363.
Genomic context (GRCh38, chr5:78,964,555, plus strand): 5'-GTTGCAACTTCTTCGCCATCTCGAAAATCAAGAGCACATCGTGTGACATTCAGAGCGTCA[A>G]TTAATGTACAGCGTTCATGGGAATAATAATCTTCACTACCCAGGAGATATCCTGCAAGAA-3'
Protein context (NP_000037.2, residues 174-194): DYYSHERCTL[Ile184Thr]DALNVTRCAL

ClinVar aggregate classification (germline): Pathogenic (1 of 4 stars; one submission).

Conditions:
Mucopolysaccharidosis type 6 (MPS6). Also called: MPS 6; Maroteaux Lamy syndrome; ARSB DEFICIENCY; ARYLSULFATASE B DEFICIENCY; N-ACETYLGALACTOSAMINE-4-SULFATASE DEFICIENCY; MPS VI. Identifiers: Orphanet 583, MedGen C0026709, MONDO:0009661, OMIM 253200.

Allele frequency attached by ClinVar (database versions not stated): gnomAD exomes below 0.00001; gnomAD 0.00001.
gnomAD v4.1: 2 of 1,613,910 alleles (0.00012%); highest among the groups gnomAD compares: Non-Finnish European, 0.00017%; no homozygotes.

Submission:

Labcorp Genetics (formerly Invitae), Labcorp
Classification: Pathogenic for Mucopolysaccharidosis type 6. Last evaluated: 2023-11-27. Review status: criteria provided, single submitter. Criteria: Invitae Variant Classification Sherloc (09022015). Collection method: clinical testing. Allele origin: germline.
Comment: This sequence change replaces isoleucine, which is neutral and non-polar, with threonine, which is neutral and polar, at codon 184 of the ARSB protein (p.Ile184Thr). This variant is not present in population databases (gnomAD no frequency). This missense change has been observed in individual(s) with clinical features of Maroteaux-Lamy syndrome (Invitae). In at least one individual the data is consistent with being in trans (on the opposite chromosome) from a pathogenic variant. Advanced modeling of protein sequence and biophysical properties (such as structural, functional, and spatial information, amino acid conservation, physicochemical variation, residue mobility, and thermodynamic stability) performed at Invitae indicates that this missense variant is expected to disrupt ARSB protein function with a positive predictive value of 95%. For these reasons, this variant has been classified as Pathogenic.